The following is an entry in ClinVar:

ClinVar aggregate classification (germline): Pathogenic (1 of 4 stars; one submission).

Conditions:
Citrullinemia. Identifiers: Orphanet 187, MedGen C0175683, MONDO:0015991.

Submission:

Labcorp Genetics (formerly Invitae), Labcorp
Classification: Pathogenic for Citrullinemia. Last evaluated: 2023-02-03. Review status: criteria provided, single submitter. Criteria: Invitae Variant Classification Sherloc (09022015). Collection method: clinical testing. Allele origin: unknown.
Comment: For these reasons, this variant has been classified as Pathogenic. This variant disrupts a region of the ASS1 protein in which other variant(s) (p.Arg157His) have been determined to be pathogenic (PMID: 27287393). This suggests that this is a clinically significant region of the protein, and that variants that disrupt it are likely to be disease-causing. This variant has not been reported in the literature in individuals affected with ASS1-related conditions. This variant is a gross deletion of the genomic region encompassing exon(s) 7 of the ASS1 gene. This variant would be expected to be in-frame, preserving the integrity of the reading frame.

Literature cited by the submitters: PubMed 27287393.

NC_000009.11:g.(?_133342092)_(133342206_?)del

Gene: ASS1 (argininosuccinate synthase 1; plus strand). Cytogenetic location: 9q34.11.
Variant type: Deletion.
Identifiers: ClinVar variation 3245090 (VCV003245090.1).